The following is an entry in ClinVar:

NM_000292.3(PHKA2):c.1346A>G (p.Asn449Ser)

Gene: PHKA2 (phosphorylase kinase regulatory subunit alpha 2; minus strand). Cytogenetic location: Xp22.13.
Variant type: single nucleotide variant.
Coding change: c.1346A>G on transcript NM_000292.3 (MANE Select); coding-DNA position 1346, A replaced by G.
Protein change: p.Asn449Ser; replaces asparagine 449 with serine.
Molecular consequence: missense variant.
Genome position (GRCh38, 1-based): chrX:18,926,566, T>C on the plus strand (A>G on the coding strand, the complement: PHKA2 is on the minus strand). VCF-style: chrX-18926566-T-C. GRCh37 (hg19) VCF-style: chrX-18944684-T-C.
Other names: p.Asn449Ser; short protein forms N449S.
Identifiers: ClinVar variation 2410989 (VCV002410989.3), dbSNP rs370432175, ClinGen allele CA10361906.

ClinVar aggregate classification (germline): Conflicting classifications of pathogenicity. Review status: criteria provided, conflicting classifications (1 of 4 stars). 2 submissions from 2 submitters: Uncertain significance (1); Likely benign (1). Last evaluated 2022-11-11.

Conditions:
Inborn genetic diseases. Identifiers: MedGen C0950123, MeSH D030342.

Allele frequency attached by ClinVar (database versions not stated): ExAC 0.00001; gnomAD 0.00005; TOPMed 0.00007; ESP Exome Variant Server 0.00009; gnomAD exomes 0.00012.
gnomAD v4.1: 136 of 1,208,270 alleles (0.011%); highest among the groups gnomAD compares: Non-Finnish European, 0.015%; no homozygotes.

Submissions (2):

Mayo Clinic Laboratories, Mayo Clinic
Classification: Uncertain significance. Last evaluated: 2022-11-11. Review status: criteria provided, single submitter. Criteria: ACMG Guidelines, 2015. Collection method: clinical testing. Allele origin: germline. Observed: 1 variant allele.
Comment: BP4

Ambry Genetics
Classification: Likely benign for Inborn genetic diseases. Last evaluated: 2021-03-25. Review status: criteria provided, single submitter. Criteria: Ambry Variant Classification Scheme 2023. Collection method: clinical testing. Allele origin: germline.